The following is an entry in ClinVar:

ClinVar aggregate classification (germline): Uncertain significance (1 of 4 stars; one submission).

Conditions:
ALG3-congenital disorder of glycosylation. Also called: CARBOHYDRATE-DEFICIENT GLYCOPROTEIN SYNDROME, TYPE IV; CDGS, TYPE IV; CONGENITAL DISORDER OF GLYCOSYLATION, TYPE Id; ALG3-CDG; CDG Id. Identifiers: Orphanet 79321, MedGen C1832736, MONDO:0010998, OMIM 601110.

Allele frequency attached by ClinVar (database versions not stated): gnomAD exomes below 0.00001; ExAC 0.00001.
gnomAD v4.1: 1 of 1,613,900 alleles (0.000062%); highest among the groups gnomAD compares: Admixed American, 0.0017%; no homozygotes.

Submission:

Neuberg Centre For Genomic Medicine, NCGM
Classification: Uncertain significance for ALG3-congenital disorder of glycosylation. Review status: criteria provided, single submitter. Criteria: ACMG Guidelines, 2015. Collection method: clinical testing. Allele origin: germline. Affected: yes.
Comment: The missense variant p.L182P in ALG3 (NM_005787.6) has not been reported previously as a pathogenic variant nor as a benign variant, to our knowledge. The p.L182P variant is observed in 1/34,462 (0.0029%) alleles from individuals of Latino background in gnomAD Exomes and is novel (not in any individuals) in 1000 Genomes.The p.L182P missense variant is predicted to be damaging by both SIFT and PolyPhen2. The leucine residue at codon 182 of ALG3 is conserved in all mammalian species. The nucleotide c.545 in ALG3 is predicted conserved by GERP++ and PhyloP across 100 vertebrates. For these reasons, this variant has been classified as Uncertain Significance.

NM_005787.6(ALG3):c.545T>C (p.Leu182Pro)

Gene: ALG3 (ALG3 alpha-1,3- mannosyltransferase; minus strand). Cytogenetic location: 3q27.1.
Variant type: single nucleotide variant.
Coding change: c.545T>C on transcript NM_005787.6 (MANE Select); coding-DNA position 545, T replaced by C.
Protein change: p.Leu182Pro; replaces leucine 182 with proline.
Molecular consequence: missense variant. On other transcripts: non-coding transcript variant (2).
Genome position (GRCh38, 1-based): chr3:184,245,258, A>G on the plus strand (T>C on the coding strand, the complement: ALG3 is on the minus strand). VCF-style: chr3-184245258-A-G. GRCh37 (hg19) VCF-style: chr3-183963046-A-G.
Other names: c.401T>C, p.Leu134Pro (NM_001006941.2); short protein forms L134P, L182P.
Identifiers: ClinVar variation 1339096 (VCV001339096.2), dbSNP rs747561539, ClinGen allele CA2729505.